The following is an entry in ClinVar:

ClinVar aggregate classification (germline): Uncertain significance (1 of 4 stars; one submission).

Allele frequency attached by ClinVar (database versions not stated): TOPMed below 0.00001; gnomAD 0.00003; gnomAD exomes 0.00010 and 0.00018; 1000 Genomes Project 30x 0.00016; ExAC 0.00023.
gnomAD v4.1: 149 of 1,614,168 alleles (0.0092%); highest among the groups gnomAD compares: South Asian, 0.15%; 2 homozygotes.

Submission:

Labcorp Genetics (formerly Invitae), Labcorp
Classification: Uncertain significance. Last evaluated: 2025-10-24. Review status: criteria provided, single submitter. Criteria: Invitae Variant Classification Sherloc (09022015). Collection method: clinical testing. Allele origin: germline.
Comment: This sequence change replaces threonine, which is neutral and polar, with serine, which is neutral and polar, at codon 550 of the KLHL7 protein (p.Thr550Ser). This variant is present in population databases (rs577616796, gnomAD 0.2%). This variant has not been reported in the literature in individuals affected with KLHL7-related conditions. ClinVar contains an entry for this variant (Variation ID: 1382481). An algorithm developed to predict the effect of missense changes on protein structure and function (PolyPhen-2) suggests that this variant is likely to be tolerated. In summary, the available evidence is currently insufficient to determine the role of this variant in disease. Therefore, it has been classified as a Variant of Uncertain Significance.

NM_001031710.3(KLHL7):c.1648A>T (p.Thr550Ser)

Gene: KLHL7 (kelch like family member 7; plus strand). Cytogenetic location: 7p15.3.
Variant type: single nucleotide variant.
Coding change: c.1648A>T on transcript NM_001031710.3 (MANE Select); coding-DNA position 1648, A replaced by T.
Protein change: p.Thr550Ser; replaces threonine 550 with serine.
Molecular consequence: missense variant. On other transcripts: non-coding transcript variant (1).
Genome position (GRCh38, 1-based): chr7:23,174,185, A>T. VCF-style: chr7-23174185-A-T. GRCh37 (hg19) VCF-style: chr7-23213804-A-T.
Other names: c.1504A>T, p.Thr502Ser (NM_018846.5); short protein forms T502S, T550S.
Identifiers: ClinVar variation 1382481 (VCV001382481.8), dbSNP rs577616796, ClinGen allele CA4186662.